The following is an entry in ClinVar:

NM_006514.4(SCN10A):c.2818del (p.Gln940fs)

Genes: SCN10A (sodium voltage-gated channel alpha subunit 10; minus strand), LOC110121288 (VISTA enhancer hs2268; plus strand). Cytogenetic location: 3p22.2.
Variant type: Deletion.
Coding change: c.2818del on transcript NM_006514.4 (MANE Select); coding-DNA position 2818, one base deleted (C; older notation c.2818delC).
Protein change: p.Gln940fs; shifts the reading frame from glutamine 940.
Molecular consequence: frameshift variant.
Genome position (GRCh38, 1-based): chr3:38,726,875, G deleted on the plus strand (C on the coding strand, the reverse complement: SCN10A is on the minus strand); the first of 5 consecutive G bases (chr3:38,726,875-38,726,879); deleting any one gives the same sequence. VCF-style (leftmost placement, unchanged base first): chr3-38726874-TG-T. GRCh37 (hg19) VCF-style: chr3-38768365-TG-T.
Other names: c.2818del, p.Gln940fs (NM_001293306.2); c.2524del, p.Gln842fs (NM_001293307.2); short protein forms Q842fs, Q940fs.
Identifiers: ClinVar variation 4766662 (VCV004766662.1).

ClinVar aggregate classification (germline): Uncertain significance (1 of 4 stars; one submission).

Conditions:
Brugada syndrome. Also called: Sudden unexpected nocturnal death syndrome; Sudden Unexplained Death Syndrome; Sudden Unexplained Nocturnal Death Syndrome (SUNDS); Sudden unexplained nocturnal death syndrome. Identifiers: Orphanet 130, MedGen C1142166, MONDO:0015263.

Submission:

Labcorp Genetics (formerly Invitae), Labcorp
Classification: Uncertain significance for Brugada syndrome. Last evaluated: 2025-10-03. Review status: criteria provided, single submitter. Criteria: Invitae Variant Classification Sherloc (09022015). Collection method: clinical testing. Allele origin: germline.
Comment: This sequence change creates a premature translational stop signal (p.Gln940Serfs*10) in the SCN10A gene. It is expected to result in an absent or disrupted protein product. However, the current clinical and genetic evidence is not sufficient to establish whether loss-of-function variants in SCN10A cause disease. The frequency data for this variant in the population databases is considered unreliable, as metrics indicate poor data quality at this position in the gnomAD database. This variant has not been reported in the literature in individuals affected with SCN10A-related conditions. Experimental studies and prediction algorithms are not available or were not evaluated, and the functional significance of this variant is currently unknown. In summary, the available evidence is currently insufficient to determine the role of this variant in disease. Therefore, it has been classified as a Variant of Uncertain Significance.